The following is an entry in ClinVar:

ClinVar aggregate classification (germline): Likely pathogenic. Review status: criteria provided, multiple submitters, no conflicts (2 of 4 stars). 3 submissions from 3 submitters: Likely pathogenic (2). 1 of the submissions does not count toward it. Last evaluated 2026-01-22.

Conditions:
VPS13B-related disorder. Also called: VPS13B-related condition.
Cohen syndrome (COH1). Also called: PEPPER SYNDROME; Cutis verticis gyrata, retinitis pigmentosa, and sensorineural deafness. Identifiers: Orphanet 193, MedGen C0265223, MONDO:0008999, OMIM 216550.

Submissions (3):

PreventionGenetics, part of Exact Sciences
Classification: Likely pathogenic for VPS13B-related condition. Last evaluated: 2026-01-22. Review status: criteria provided, single submitter. Criteria: ACMG Guidelines, 2015. Collection method: clinical testing. Allele origin: germline.
Comment: The VPS13B c.1079_1080delinsG variant is predicted to result in a frameshift and premature protein termination (p.Asp360Glyfs*24). To our knowledge, this variant has not been reported in the literature or in a large population database (gnomAD), indicating this variant is rare. Frameshift variants in VPS13B are expected to be pathogenic. This variant is interpreted as likely pathogenic.

Natera, Inc.
Classification: Likely pathogenic for Cohen syndrome. Last evaluated: 2024-06-27. Review status: criteria provided, single submitter. Criteria: Natera Variant Classification Schema (03/2026). Collection method: clinical testing. Allele origin: germline.
Comment: The c.1079_1080delACinsG variant in VPS13B is a frameshift variant predicted to shift the reading frame beginning at codon 360 and leads to a stop codon 24 codons downstream. This variant is expected to result in nonsense mediated decay, truncation, or a dysfunctional protein product. This variant is rare in the general population with a frequency below the threshold expected for the associated phenotype(s). Given the available evidence, this variant is classified as Likely Pathogenic.

Counsyl
Classification: Likely pathogenic for Cohen syndrome. Last evaluated: 2015-12-01. Review status: no assertion criteria provided. Collection method: clinical testing. Allele origin: unknown. Not counted in ClinVar's aggregate classification.

NM_152564.5(VPS13B):c.1079_1080delinsG (p.Asp360fs)

Gene: VPS13B (vacuolar protein sorting 13 homolog B; plus strand). Cytogenetic location: 8q22.2.
Variant type: Indel.
Coding change: c.1079_1080delinsG on transcript NM_152564.5 (MANE Select); coding-DNA positions 1079 to 1080, AC replaced by G.
Protein change: p.Asp360fs; shifts the reading frame from aspartic acid 360.
Molecular consequence: frameshift variant. On other transcripts: non-coding transcript variant (1).
Genome position (GRCh38, 1-based): chr8:99,121,318-99,121,319, AC replaced by G. VCF-style: chr8-99121318-AC-G. GRCh37 (hg19) VCF-style: chr8-100133546-AC-G.
Other names: c.1079_1080delinsG (NM_152564.4); c.1079_1080delinsG, p.Asp360fs (NM_015243.3, NM_017890.5, NM_181661.3); c.1079_1080delACinsG (NM_017890.4); short protein forms D360fs.
Identifiers: ClinVar variation 370153 (VCV000370153.5), dbSNP rs1057516274, ClinGen allele CA16041223.